The following is an entry in ClinVar:

ClinVar aggregate classification (germline): Uncertain significance. Review status: criteria provided, multiple submitters, no conflicts (2 of 4 stars). 2 submissions from 2 submitters: Uncertain significance (2). Last evaluated 2026-06-03.

Conditions:
Alpha thalassemia-X-linked intellectual disability syndrome (ATRX). Also called: ALPHA-THALASSEMIA/MENTAL RETARDATION SYNDROME, X-LINKED; ATR, NONDELETION TYPE; ATR-X syndrome; Alpha thalassemia mental retardation syndrome, nondeletion type, X-linked; XLMR hypotonic face syndrome; X-linked alpha-thalassemia-mental retardation syndrome. Identifiers: Orphanet 847, MedGen C1845055, MONDO:0010519, OMIM 301040.
Inborn genetic diseases. Identifiers: MedGen C0950123, MeSH D030342.

Submissions (2):

Ambry Genetics
Classification: Uncertain significance for Inborn genetic diseases. Last evaluated: 2026-06-03. Review status: criteria provided, single submitter. Criteria: Ambry Variant Classification Scheme 2023. Collection method: clinical testing. Allele origin: germline.

Labcorp Genetics (formerly Invitae), Labcorp
Classification: Uncertain significance for Alpha thalassemia-X-linked intellectual disability syndrome. Last evaluated: 2025-03-12. Review status: criteria provided, single submitter. Criteria: Invitae Variant Classification Sherloc (09022015). Collection method: clinical testing. Allele origin: germline.
Comment: This sequence change replaces aspartic acid, which is acidic and polar, with glutamic acid, which is acidic and polar, at codon 1111 of the ATRX protein (p.Asp1111Glu). This variant is not present in population databases (gnomAD no frequency). This variant has not been reported in the literature in individuals affected with ATRX-related conditions. Invitae Evidence Modeling of protein sequence and biophysical properties (such as structural, functional, and spatial information, amino acid conservation, physicochemical variation, residue mobility, and thermodynamic stability) indicates that this missense variant is not expected to disrupt ATRX protein function with a negative predictive value of 95%. In summary, the available evidence is currently insufficient to determine the role of this variant in disease. Therefore, it has been classified as a Variant of Uncertain Significance.

NM_000489.6(ATRX):c.3333T>G (p.Asp1111Glu)

Gene: ATRX (ATRX chromatin remodeler; minus strand). Cytogenetic location: Xq21.1.
Variant type: single nucleotide variant.
Coding change: c.3333T>G on transcript NM_000489.6 (MANE Select); coding-DNA position 3333, T replaced by G.
Protein change: p.Asp1111Glu; replaces aspartic acid 1111 with glutamic acid.
Molecular consequence: missense variant.
Genome position (GRCh38, 1-based): chrX:77,681,923, A>C on the plus strand (T>G on the coding strand, the complement: ATRX is on the minus strand). VCF-style: chrX-77681923-A-C. GRCh37 (hg19) VCF-style: chrX-76937415-A-C.
Other names: c.3333T>G (NM_000489.3); c.3219T>G, p.Asp1073Glu (NM_138270.5); short protein forms D1111E, D1073E.
Identifiers: ClinVar variation 4744894 (VCV004744894.2).
Genomic context (GRCh38, chrX:77,681,923, plus strand): 5'-TCTTTTCAGTCTCTTATCAGAAGAGTTACAACCATCTTCTTTCATGGAATATTTCTCAGT[A>C]TCAGATGATGAACAATCTTGTCTCTTCCTTGAACTCTTTCCAAGCAACTTGCACCTTTTC-3'
Protein context (NP_000480.3, residues 1101-1121): SRKRQDCSSS[Asp1111Glu]TEKYSMKEDG